The following is an entry in ClinVar:

NM_182961.4(SYNE1):c.13751T>A (p.Val4584Asp)

Gene: SYNE1 (spectrin repeat containing nuclear envelope protein 1; minus strand). Cytogenetic location: 6q25.2.
Variant type: single nucleotide variant.
Coding change: c.13751T>A on transcript NM_182961.4 (MANE Select); coding-DNA position 13751, T replaced by A.
Protein change: p.Val4584Asp; replaces valine 4584 with aspartic acid.
Molecular consequence: missense variant.
Genome position (GRCh38, 1-based): chr6:152,330,934, A>T on the plus strand (T>A on the coding strand, the complement: SYNE1 is on the minus strand). VCF-style: chr6-152330934-A-T. GRCh37 (hg19) VCF-style: chr6-152652069-A-T.
Other names: c.13538T>A, p.Val4513Asp (NM_033071.5); short protein forms V4513D, V4584D.
Identifiers: ClinVar variation 538399 (VCV000538399.8), dbSNP rs968829958, ClinGen allele CA150177246.
Genomic context (GRCh38, chr6:152,330,934, plus strand): 5'-TTAGCCAGTTGTGTATGAAGCTCAGAACTCTCATTCATTAGGTTGATTTCAGGAAATGTA[A>T]CAATATCTGCTTGTTTTAGCCAGTGGCAAGCTTTATCAAAATCTTCCTTAAAATGCTTCC-3'
Protein context (NP_892006.3, residues 4574-4594): ACHWLKQADI[Val4584Asp]TFPEINLMNE

ClinVar aggregate classification (germline): Uncertain significance. Review status: criteria provided, multiple submitters, no conflicts (2 of 4 stars). 3 submissions from 3 submitters: Uncertain significance (3). Last evaluated 2022-01-21.

Conditions:
Autosomal recessive ataxia, Beauce type. Also called: SYNE1-Related Autosomal Recessive Cerebellar Ataxia; Spinocerebellar ataxia, autosomal recessive 8; ATAXIA, RECESSIVE, OF BEAUCE; SYNE1 Deficiency. Identifiers: Orphanet 88644, MedGen C1853116, MONDO:0012549, OMIM 610743.
Emery-Dreifuss muscular dystrophy 4, autosomal dominant (EDMD4). Also called: EMERY-DREIFUSS MUSCULAR DYSTROPHY 4 WITH VARIABLE FEATURES. Identifiers: Orphanet 261, MedGen C2751807, MONDO:0013071, OMIM 612998.
Arthrogryposis multiplex congenita 3, myogenic type. Also called: ARTHROGRYPOSIS MULTIPLEX CONGENITA, MYOGENIC TYPE. Identifiers: MedGen C5193121, MONDO:0032778, OMIM 618484.

Allele frequency attached by ClinVar (database versions not stated): gnomAD exomes 0.00001 and below 0.00001.
gnomAD v4.1: 12 of 1,614,136 alleles (0.00074%); highest among the groups gnomAD compares: Non-Finnish European, 0.00093%; no homozygotes.

Submissions (3):

Illumina Laboratory Services, Illumina
Classification: Uncertain significance for Autosomal recessive ataxia, Beauce type. Last evaluated: 2022-01-21. Review status: criteria provided, single submitter. Criteria: ICSLVariantClassificationCriteria RUGD 01 April 2020. Collection method: clinical testing. Allele origin: unknown.
Comment: The SYNE1 c.13751T>A (p.Val4584Asp) missense variant results in the substitution of valine at amino acid position 13751 with aspartic acid. To our knowledge, this variant has not been reported in the peer-reviewed literature. This variant is reported in the Genome Aggregation Database in one allele at a frequency of 0.000009 in the European (non-Finnish) population (version 2.1.1). Based on the available evidence, the c.13751T>A (p.Val4584Asp) variant is classified as a variant of uncertain significance for SYNE1-related cerebellar ataxia.

Labcorp Genetics (formerly Invitae), Labcorp
Classification: Uncertain significance for Emery-Dreifuss muscular dystrophy 4, autosomal dominant; Autosomal recessive ataxia, Beauce type. Last evaluated: 2021-08-30. Review status: criteria provided, single submitter. Criteria: Invitae Variant Classification Sherloc (09022015). Collection method: clinical testing. Allele origin: germline.

Department of Pathology and Laboratory Medicine, Sinai Health System
Classification: Uncertain significance for Autosomal recessive ataxia, Beauce type; Emery-Dreifuss muscular dystrophy 4, autosomal dominant; Arthrogryposis multiplex congenita 3, myogenic type. Last evaluated: 2021-07-30. Review status: criteria provided, single submitter. Criteria: ACMG Guidelines, 2015. Collection method: research. Allele origin: germline.